The following is an entry in ClinVar:

NM_016239.4(MYO15A):c.9815G>A (p.Arg3272His)

Gene: MYO15A (myosin XVA; plus strand). Cytogenetic location: 17p11.2.
Variant type: single nucleotide variant.
Coding change: c.9815G>A on transcript NM_016239.4 (MANE Select); coding-DNA position 9815, G replaced by A.
Protein change: p.Arg3272His; replaces arginine 3272 with histidine.
Molecular consequence: missense variant.
Genome position (GRCh38, 1-based): chr17:18,166,388, G>A. VCF-style: chr17-18166388-G-A. GRCh37 (hg19) VCF-style: chr17-18069702-G-A.
Other names: short protein forms R3272H.
Identifiers: ClinVar variation 1313421 (VCV001313421.7), dbSNP rs199866618, ClinGen allele CA8425710.
Genomic context (GRCh38, chr17:18,166,388, plus strand): 5'-CCCCACCCAGCCCTGCCTCCCTGCTCTCTGCAGGCCAGCATGTGTGCCCACTCAGTCGCC[G>A]TGCTTACATCCTGGATGTGGCCTCAGAGATGGAGCAGGTGGACGGCGGCTACATGCTCTG-3'
Protein context (NP_057323.3, residues 3262-3282): RGQHVCPLSR[Arg3272His]AYILDVASEM

ClinVar aggregate classification (germline): Conflicting classifications of pathogenicity. Review status: criteria provided, conflicting classifications (1 of 4 stars). 3 submissions from 3 submitters: Uncertain significance (2); Likely benign (1). Last evaluated 2024-08-12.

Allele frequency attached by ClinVar (database versions not stated): gnomAD 0.00001 and 0.00002; gnomAD exomes 0.00003 and 0.00004; TOPMed 0.00003; ExAC 0.00006; 1000 Genomes Project 0.00020; 1000 Genomes Project 30x 0.00031.
gnomAD v4.1: 44 of 1,613,742 alleles (0.0027%); highest among the groups gnomAD compares: Middle Eastern, 0.017%; no homozygotes.

Submissions (3):

Labcorp Genetics (formerly Invitae), Labcorp
Classification: Likely benign. Last evaluated: 2024-08-12. Review status: criteria provided, single submitter. Criteria: Invitae Variant Classification Sherloc (09022015). Collection method: clinical testing. Allele origin: germline.

GeneDx
Classification: Uncertain significance. Last evaluated: 2021-12-22. Review status: criteria provided, single submitter. Criteria: GeneDx Variant Classification Process June 2021. Collection method: clinical testing. Allele origin: germline. Affected: yes.
Comment: In silico analysis supports that this missense variant does not alter protein structure/function; Has not been previously published as pathogenic or benign to our knowledge

Blueprint Genetics
Classification: Uncertain significance. Last evaluated: 2018-09-11. Review status: criteria provided, single submitter. Criteria: ACMG Guidelines, 2015. Collection method: clinical testing. Allele origin: germline.